The following is an entry in ClinVar:

NM_000414.4(HSD17B4):c.659C>T (p.Pro220Leu)

Gene: HSD17B4 (hydroxysteroid 17-beta dehydrogenase 4; plus strand). Cytogenetic location: 5q23.1.
Variant type: single nucleotide variant.
Coding change: c.659C>T on transcript NM_000414.4 (MANE Select); coding-DNA position 659, C replaced by T.
Protein change: p.Pro220Leu; replaces proline 220 with leucine.
Molecular consequence: missense variant. On other transcripts: non-coding transcript variant (2).
Genome position (GRCh38, 1-based): chr5:119,489,228, C>T. VCF-style: chr5-119489228-C-T. GRCh37 (hg19) VCF-style: chr5-118824923-C-T.
Other names: c.734C>T, p.Pro245Leu (NM_001199291.3); c.605C>T, p.Pro202Leu (NM_001199292.2); c.587C>T, p.Pro196Leu (NM_001292027.2); c.239C>T, p.Pro80Leu (NM_001292028.2); c.650C>T, p.Pro217Leu (NM_001374497.1); c.659C>T, p.Pro220Leu (NM_001374498.1); c.332C>T, p.Pro111Leu (NM_001374499.1); c.218C>T, p.Pro73Leu (NM_001374500.1); and 1 more; short protein forms P111L, P196L, P202L, P217L, P220L, P245L, P73L, P80L.
Identifiers: ClinVar variation 3376296 (VCV003376296.1).

ClinVar aggregate classification (germline): Likely pathogenic (1 of 4 stars; one submission).

Conditions:
Bifunctional peroxisomal enzyme deficiency (DBIF). Also called: D-bifunctional protein deficiency; DBP DEFICIENCY; PBFE DEFICIENCY. Identifiers: Orphanet 300, MedGen C0342870, MONDO:0009855, OMIM 261515. Disease mechanism: loss of function.

gnomAD v4.1: 1 of 1,612,580 alleles (0.000062%); highest among the groups gnomAD compares: Non-Finnish European, 0.000085%; no homozygotes.

Submission:

Pittsburgh Clinical Genomics Laboratory, University of Pittsburgh Medical Center
Classification: Likely pathogenic for Bifunctional peroxisomal enzyme deficiency. Last evaluated: 2024-05-20. Review status: criteria provided, single submitter. Criteria: ACMG Guidelines, 2015. Collection method: clinical testing. Allele origin: germline. Inheritance: Autosomal recessive inheritance. Affected: yes.
Comment: This sequence variant is a single nucleotide substitution (C>T) at position 659 of the coding sequence of the HSD17B4 gene that results in a proline to leucine amino acid change at residue 220 of the hydroxysteroid 17-beta dehydrogese 4 protein. This residue falls in the (3R)-hydroxyacyl-CoA dehydrogese domain of the protein (UniProt). This variant is absent from ClinVar, published literature, and the gnomAD population database (0/~282500 alleles). Multiple bioinformatic tools predict that this amino acid change would be damaging, and the Pro220 residue at this position is highly conserved across the vertebrate species examined. Based on the available evidence, we consider this variant to be likely pathogenic. ACMG Criteria: PM2, PP3, PP4, PS3